The following is an entry in ClinVar:

Conditions:
Breast-ovarian cancer, familial, susceptibility to, 1 (BROVCA1). Also called: BRCA1 Hereditary Breast and Ovarian Cancer; OVARIAN CANCER, SUSCEPTIBILITY TO. Identifiers: Orphanet 145, MedGen C2676676, MONDO:0011450, OMIM 604370. Disease mechanism: loss of function.

Submission:

Brotman Baty Institute, University of Washington
No classification provided (evidence only). Condition: Breast-ovarian cancer, familial 1. Review status: no classification provided. Collection method: in vitro. Allele origin: not applicable. Functional consequence: functionally_normal.
ClinVar note: "not provided" was previously submitted as the classification for the variant. However, the classification appeared to be based only on an observation of functional data so it was converted to no classification on 2025-07-30.

NM_007294.4(BRCA1):c.5193+20A>C

Gene: BRCA1 (BRCA1 DNA repair associated; minus strand). Cytogenetic location: 17q21.31.
Variant type: single nucleotide variant.
Coding change: c.5193+20A>C on transcript NM_007294.4 (MANE Select); 20 bases into the intron after coding-DNA position 5193, A replaced by C.
Molecular consequence: intron variant.
Genome position (GRCh38, 1-based): chr17:43,063,313, T>G on the plus strand (A>C on the coding strand, the complement: BRCA1 is on the minus strand). VCF-style: chr17-43063313-T-G. GRCh37 (hg19) VCF-style: chr17-41215330-T-G.
Other names: c.1740+20A>C (NM_001408458.1, NM_001408461.1, NM_001408464.1 and 7 more transcripts); c.4302+20A>C (NM_001407967.1); c.4812+20A>C (NM_001407959.1); c.4926+20A>C (NM_001407931.1, NM_001407932.1, NM_001407928.1 and 4 more transcripts); c.5049+20A>C (NM_001407747.1, NM_001407745.1, NM_001407737.1 and 21 more transcripts); c.4809+20A>C (NM_001407962.1, NM_001407960.1); c.1380+20A>C (NM_001408512.1); c.1503+20A>C (NM_001408510.1); and 72 more.
Identifiers: ClinVar variation 867484 (VCV000867484.3), dbSNP rs1567768516, ClinGen allele CA916079995.